The following is an entry in ClinVar:

ClinVar aggregate classification (germline): Likely benign (1 of 4 stars; one submission).

Allele frequency attached by ClinVar (database versions not stated): 1000 Genomes Project 0.00260; 1000 Genomes Project 30x 0.00281; gnomAD 0.00586; ESP Exome Variant Server 0.00621; TOPMed 0.00635; ExAC 0.00672; gnomAD exomes 0.00812.
gnomAD v4.1: 12,522 of 1,583,006 alleles (0.79%); highest among the groups gnomAD compares: Non-Finnish European, 0.96%; 64 homozygotes.

Submission:

CeGaT Center for Human Genetics Tuebingen
Classification: Likely benign. Last evaluated: 2025-04-01. Review status: criteria provided, single submitter. Criteria: CeGaT Center For Human Genetics Tuebingen Variant Classification Criteria Version 2. Collection method: clinical testing. Allele origin: germline. Affected: yes. Observed: 5 variant alleles.
Comment: PRIM1: BP4, BS2

NM_000946.3(PRIM1):c.1126G>A (p.Val376Ile)

Gene: PRIM1 (DNA primase subunit 1; minus strand). Cytogenetic location: 12q13.3.
Variant type: single nucleotide variant.
Coding change: c.1126G>A on transcript NM_000946.3 (MANE Select); coding-DNA position 1126, G replaced by A.
Protein change: p.Val376Ile; replaces valine 376 with isoleucine.
Molecular consequence: missense variant.
Genome position (GRCh38, 1-based): chr12:56,738,452, C>T on the plus strand (G>A on the coding strand, the complement: PRIM1 is on the minus strand). VCF-style: chr12-56738452-C-T. GRCh37 (hg19) VCF-style: chr12-57132236-C-T.
Other names: short protein forms V376I.
Identifiers: ClinVar variation 2672507 (VCV002672507.23), dbSNP rs143246089, ClinGen allele CA6637479.